The following is an entry in ClinVar:

ClinVar aggregate classification (germline): Uncertain significance (1 of 4 stars; one submission).

Conditions:
Myopathy, proximal, and ophthalmoplegia (CMYO6). Also called: INCLUSION BODY MYOPATHY 3, AUTOSOMAL DOMINANT; MYOPATHY WITH CONGENITAL JOINT CONTRACTURES, OPHTHALMOPLEGIA, AND RIMMED VACUOLES; CONGENITAL MYOPATHY 6 WITH OPHTHALMOPLEGIA. Identifiers: Orphanet 363677, Orphanet 79091, MedGen C1854106, MONDO:0011577, OMIM 605637.

Submission:

Labcorp Genetics (formerly Invitae), Labcorp
Classification: Uncertain significance for Myopathy, proximal, and ophthalmoplegia. Last evaluated: 2023-04-03. Review status: criteria provided, single submitter. Criteria: Invitae Variant Classification Sherloc (09022015). Collection method: clinical testing. Allele origin: germline.
Comment: This sequence change replaces leucine, which is neutral and non-polar, with proline, which is neutral and non-polar, at codon 261 of the MYH2 protein (p.Leu261Pro). In summary, the available evidence is currently insufficient to determine the role of this variant in disease. Therefore, it has been classified as a Variant of Uncertain Significance. Advanced modeling of protein sequence and biophysical properties (such as structural, functional, and spatial information, amino acid conservation, physicochemical variation, residue mobility, and thermodynamic stability) performed at Invitae indicates that this missense variant is expected to disrupt MYH2 protein function. ClinVar contains an entry for this variant (Variation ID: 656628). This variant has not been reported in the literature in individuals affected with MYH2-related conditions. This variant is not present in population databases (gnomAD no frequency).

NM_017534.6(MYH2):c.782T>C (p.Leu261Pro)

Genes: MYH2 (myosin heavy chain 2; minus strand), MYHAS (myosin heavy chain gene cluster antisense RNA; plus strand), LOC126862501 (CDK7 strongly-dependent group 2 enhancer GRCh37_chr17:10446256-10447455; plus strand). Cytogenetic location: 17p13.1.
Variant type: single nucleotide variant.
Coding change: c.782T>C on transcript NM_017534.6 (MANE Select); coding-DNA position 782, T replaced by C.
Protein change: p.Leu261Pro; replaces leucine 261 with proline.
Molecular consequence: missense variant.
Genome position (GRCh38, 1-based): chr17:10,543,121, A>G on the plus strand (T>C on the coding strand, the complement: MYH2 is on the minus strand). VCF-style: chr17-10543121-A-G. GRCh37 (hg19) VCF-style: chr17-10446438-A-G.
Other names: c.782T>C, p.Leu261Pro (NM_001100112.2); short protein forms L261P.
Identifiers: ClinVar variation 656628 (VCV000656628.4), dbSNP rs1597457334, ClinGen allele CA398167210.